The following is an entry in ClinVar:

NM_024301.5(FKRP):c.142C>A (p.Arg48Ser)

Gene: FKRP (fukutin related protein; plus strand). Cytogenetic location: 19q13.32.
Variant type: single nucleotide variant.
Coding change: c.142C>A on transcript NM_024301.5 (MANE Select); coding-DNA position 142, C replaced by A.
Protein change: p.Arg48Ser; replaces arginine 48 with serine.
Molecular consequence: missense variant.
Genome position (GRCh38, 1-based): chr19:46,755,592, C>A. VCF-style: chr19-46755592-C-A. GRCh37 (hg19) VCF-style: chr19-47258849-C-A.
Other names: c.142C>A, p.Arg48Ser (NM_001039885.3); short protein forms R48S.
Identifiers: ClinVar variation 1021134 (VCV001021134.6), dbSNP rs2054892239, ClinGen allele CA406494742.

ClinVar aggregate classification (germline): Uncertain significance (1 of 4 stars; one submission).

Conditions:
Walker-Warburg congenital muscular dystrophy. Also called: Muscular dystrophy-dystroglycanopathy, type A; Walker-Warburg syndrome. Identifiers: Orphanet 899, MedGen C0265221, MONDO:0000171.

Allele frequency attached by ClinVar (database versions not stated): gnomAD exomes below 0.00001.
gnomAD v4.1: 3 of 1,606,180 alleles (0.00019%); highest among the groups gnomAD compares: East Asian, 0.0022%; no homozygotes.

Submission:

Labcorp Genetics (formerly Invitae), Labcorp
Classification: Uncertain significance for Walker-Warburg congenital muscular dystrophy. Last evaluated: 2022-05-14. Review status: criteria provided, single submitter. Criteria: Invitae Variant Classification Sherloc (09022015). Collection method: clinical testing. Allele origin: germline.
Comment: This sequence change replaces arginine, which is basic and polar, with serine, which is neutral and polar, at codon 48 of the FKRP protein (p.Arg48Ser). This variant is not present in population databases (gnomAD no frequency). This variant has not been reported in the literature in individuals affected with FKRP-related conditions. ClinVar contains an entry for this variant (Variation ID: 1021134). Algorithms developed to predict the effect of missense changes on protein structure and function (SIFT, PolyPhen-2, Align-GVGD) all suggest that this variant is likely to be tolerated. Algorithms developed to predict the effect of sequence changes on RNA splicing suggest that this variant may create or strengthen a splice site. In summary, the available evidence is currently insufficient to determine the role of this variant in disease. Therefore, it has been classified as a Variant of Uncertain Significance.